The following is an entry in ClinVar:

NM_001127392.3(MYRF):c.2516T>G (p.Leu839Arg)

Gene: MYRF (myelin regulatory factor; plus strand). Cytogenetic location: 11q12.2.
Variant type: single nucleotide variant.
Coding change: c.2516T>G on transcript NM_001127392.3 (MANE Select); coding-DNA position 2516, T replaced by G.
Protein change: p.Leu839Arg; replaces leucine 839 with arginine.
Molecular consequence: missense variant.
Genome position (GRCh38, 1-based): chr11:61,780,989, T>G. VCF-style: chr11-61780989-T-G. GRCh37 (hg19) VCF-style: chr11-61548461-T-G.
Other names: c.2411T>G, p.Leu804Arg (NM_013279.4); short protein forms L804R, L839R.
Identifiers: ClinVar variation 4687124 (VCV004687124.1).

ClinVar aggregate classification (germline): Uncertain significance (1 of 4 stars; one submission).

gnomAD v4.1: 4 of 1,610,048 alleles (0.00025%); highest among the groups gnomAD compares: East Asian, 0.0089%; no homozygotes.

Submission:

Women's Health and Genetics/Laboratory Corporation of America, LabCorp
Classification: Uncertain significance. Last evaluated: 2025-10-06. Review status: criteria provided, single submitter. Criteria: LabCorp Variant Classification Summary - May 2015. Collection method: clinical testing. Allele origin: germline.
Comment: Variant summary: MYRF c.2516T>G (p.Leu839Arg) results in a non-conservative amino acid change in the encoded protein sequence. Algorithms developed to predict the effect of missense changes on protein structure and function are either unavailable or do not agree on the potential impact of this missense change. The variant allele was found at a frequency of 2.4e-05 in 248110 control chromosomes. The available data on variant occurrences in the general population are insufficient to allow any conclusion about variant significance. To our knowledge, no occurrence of c.2516T>G in individuals affected with MYRF-related conditions and no experimental evidence demonstrating its impact on protein function have been reported. The following publication has been ascertained in the context of this evaluation (PMID: 36129575). No submitters have cited clinical-significance assessments for this variant to ClinVar. Based on the evidence outlined above, the variant was classified as uncertain significance.

Literature cited by the submitters: PubMed 36129575.